The following is an entry in ClinVar:

NM_002292.4(LAMB2):c.3354C>T (p.Ala1118=)

Gene: LAMB2 (laminin subunit beta 2; minus strand). Cytogenetic location: 3p21.31.
Variant type: single nucleotide variant.
Coding change: c.3354C>T on transcript NM_002292.4 (MANE Select); coding-DNA position 3354, C replaced by T.
Protein change: p.Ala1118=; no amino-acid change (alanine 1118 retained).
Molecular consequence: synonymous variant.
Genome position (GRCh38, 1-based): chr3:49,124,260, G>A on the plus strand (C>T on the coding strand, the complement: LAMB2 is on the minus strand). VCF-style: chr3-49124260-G-A. GRCh37 (hg19) VCF-style: chr3-49161693-G-A.
Identifiers: ClinVar variation 3032677 (VCV003032677.2), dbSNP rs763688927, ClinGen allele CA2394061.
Genomic context (GRCh38, chr3:49,124,260, plus strand): 5'-CAACCCAGGGTCTCCCCAGTGGAGCTCTTGGCACTCAGAACAAGTCCGCCCTCCAAAGCC[G>A]GCACGGCAGTGGCACTGCCCTGTGAACTGGGGTGGGAACAAGGCAGGGTCAGAGCCTCTA-3'
Protein context (NP_002283.3, residues 1108-1128): NEFTGQCHCR[Ala1118=]GFGGRTCSEC

ClinVar aggregate classification (germline): Likely benign (0 of 4 stars; one submission).

Conditions:
LAMB2-related disorder. Also called: LAMB2-related condition.

Allele frequency attached by ClinVar (database versions not stated): gnomAD exomes 0.00001; ExAC 0.00002; gnomAD 0.00002; TOPMed 0.00003.
gnomAD v4.1: 16 of 1,613,794 alleles (0.00099%); highest among the groups gnomAD compares: East Asian, 0.011%; no homozygotes.

Submission:

PreventionGenetics, part of Exact Sciences
Classification: Likely benign for LAMB2-related condition. Last evaluated: 2021-01-28. Review status: no assertion criteria provided. Collection method: clinical testing. Allele origin: germline.
Comment: This variant is classified as likely benign based on ACMG/AMP sequence variant interpretation guidelines (Richards et al. 2015 PMID: 25741868, with internal and published modifications).